The following is an entry in ClinVar:

ClinVar aggregate classification (germline): Uncertain significance (1 of 4 stars; one submission).

Conditions:
Autosomal recessive limb-girdle muscular dystrophy type 2W (MDRCMTT). Also called: Muscular dystrophy, autosomal recessive, with cardiomyopathy and triangular tongue; Muscular dystrophy, limb-girdle, type 2W. Identifiers: MedGen C4225192, MONDO:0014788, OMIM 616827.

Allele frequency attached by ClinVar (database versions not stated): gnomAD exomes 0.00002 and 0.00001; gnomAD 0.00004 and 0.00003; ExAC 0.00002; TOPMed 0.00006; ESP Exome Variant Server 0.00015.
gnomAD v4.1: 18 of 1,610,008 alleles (0.0011%); highest among the groups gnomAD compares: African/African-American, 0.0067%; no homozygotes.

Submission:

Labcorp Genetics (formerly Invitae), Labcorp
Classification: Uncertain significance for Autosomal recessive limb-girdle muscular dystrophy type 2W. Last evaluated: 2025-12-21. Review status: criteria provided, single submitter. Criteria: Invitae Variant Classification Sherloc (09022015). Collection method: clinical testing. Allele origin: germline.
Comment: This sequence change creates a premature translational stop signal (p.Arg230*) in the LIMS2 gene. It is expected to result in an absent or disrupted protein product. However, the current clinical and genetic evidence is not sufficient to establish whether loss-of-function variants in LIMS2 cause disease. This variant is present in population databases (rs146150045, gnomAD 0.01%). This variant has not been reported in the literature in individuals affected with LIMS2-related conditions. ClinVar contains an entry for this variant (Variation ID: 835610). In summary, the available evidence is currently insufficient to determine the role of this variant in disease. Therefore, it has been classified as a Variant of Uncertain Significance.

NM_001161403.3(LIMS2):c.622C>T (p.Arg208Ter)

Gene: LIMS2 (LIM zinc finger domain containing 2; minus strand). Cytogenetic location: 2q14.3.
Variant type: single nucleotide variant.
Coding change: c.622C>T on transcript NM_001161403.3 (MANE Select); coding-DNA position 622, C replaced by T.
Protein change: p.Arg208Ter; replaces arginine 208 with a stop codon.
Molecular consequence: nonsense.
Genome position (GRCh38, 1-based): chr2:127,642,087, G>A on the plus strand (C>T on the coding strand, the complement: LIMS2 is on the minus strand). VCF-style: chr2-127642087-G-A. GRCh37 (hg19) VCF-style: chr2-128399662-G-A.
Other names: c.688C>T, p.Arg230Ter (NM_001136037.4); c.607C>T, p.Arg203Ter (NM_001161404.2); c.166C>T, p.Arg56Ter (NM_001256542.2); c.694C>T, p.Arg232Ter (NM_017980.5); short protein forms R230*, R208*, R56*, R203*, R232*.
Identifiers: ClinVar variation 835610 (VCV000835610.8), dbSNP rs146150045, ClinGen allele CA1862984.